The following is an entry in ClinVar:

ClinVar aggregate classification (germline): Uncertain significance. Review status: criteria provided, multiple submitters, no conflicts (2 of 4 stars). 2 submissions from 2 submitters: Uncertain significance (2). Last evaluated 2026-04-12.

Conditions:
SEMA3G-related disorder. Also called: SEMA3G-related condition.

Allele frequency attached by ClinVar (database versions not stated): 1000 Genomes Project 30x 0.00016.
gnomAD v4.1: 24 of 1,593,172 alleles (0.0015%); highest among the groups gnomAD compares: African/African-American, 0.031%; no homozygotes.

Submissions (2):

PreventionGenetics, part of Exact Sciences
Classification: Uncertain significance for SEMA3G-related condition. Last evaluated: 2026-04-12. Review status: criteria provided, single submitter. Criteria: ACMG Guidelines, 2015. Collection method: clinical testing. Allele origin: germline.
Comment: The SEMA3G c.506G>T variant is predicted to result in the amino acid substitution p.Arg169Leu. To our knowledge, this variant has not been reported in the literature. This variant is reported in 0.046% of alleles in individuals of African descent in gnomAD. At this time, the clinical significance of this variant is uncertain due to the absence of conclusive functional and genetic evidence.

Ambry Genetics
Classification: Uncertain significance. Last evaluated: 2025-08-20. Review status: criteria provided, single submitter. Criteria: Ambry Variant Classification Scheme 2023. Collection method: clinical testing. Allele origin: germline.

NM_020163.3(SEMA3G):c.506G>T (p.Arg169Leu)

Gene: SEMA3G (semaphorin 3G; minus strand). Cytogenetic location: 3p21.1.
Variant type: single nucleotide variant.
Coding change: c.506G>T on transcript NM_020163.3 (MANE Select); coding-DNA position 506, G replaced by T.
Protein change: p.Arg169Leu; replaces arginine 169 with leucine.
Molecular consequence: missense variant.
Genome position (GRCh38, 1-based): chr3:52,441,863, C>A on the plus strand (G>T on the coding strand, the complement: SEMA3G is on the minus strand). VCF-style: chr3-52441863-C-A. GRCh37 (hg19) VCF-style: chr3-52475879-C-A.
Other names: c.506G>T (NM_020163.2); short protein forms R169L.
Identifiers: ClinVar variation 2535138 (VCV002535138.4), dbSNP rs376402670, ClinGen allele CA2438319.